The following is an entry in ClinVar:

ClinVar aggregate classification (germline): Uncertain significance (1 of 4 stars; one submission).

Conditions:
Type 2 diabetes mellitus. Also called: Type II diabetes mellitus. Identifiers: MedGen C0011860, MeSH D003924, MONDO:0005148, OMIM 125853, HP:0005978.

Submission:

Diagnostics Services (NGS), CSIR - Centre For Cellular And Molecular Biology
Classification: Uncertain significance for Type 2 diabetes mellitus. Last evaluated: 2025-10-08. Review status: criteria provided, single submitter. Criteria: ACMG Guidelines, 2015. Collection method: clinical testing. Allele origin: germline. Affected: yes. Observed: 1 variant allele, 1 heterozygote.
Comment: The c.1963_1964delinsAG variant is not present in 1000 Genomes, EVS, gnomAD, Indian Exome Database or our internal database. This variant has neither been published in the literature for WFS1-related conditions nor reported to clinical databases like Human Genome Mutation database (HGMD), OMIM, or ClinVar in any affected individuals. In-silico pathogenicity prediction programs like MutationTaster2021, CADD etc predicted this variant to be likely deleterious, however these predictions were not confirmed by any published functional studies.

NM_006005.3(WFS1):c.1963_1964delinsAG (p.Glu655Arg)

Gene: WFS1 (wolframin ER transmembrane glycoprotein; plus strand). Cytogenetic location: 4p16.1.
Variant type: Indel.
Coding change: c.1963_1964delinsAG on transcript NM_006005.3 (MANE Select); coding-DNA positions 1963 to 1964, GA replaced by AG.
Protein change: p.Glu655Arg; replaces glutamic acid 655 with arginine.
Molecular consequence: missense variant.
Genome position (GRCh38, 1-based): chr4:6,301,758-6,301,759, GA replaced by AG. VCF-style: chr4-6301758-GA-AG. GRCh37 (hg19) VCF-style: chr4-6303485-GA-AG.
Other names: c.1963_1964delinsAG, p.Glu655Arg (NM_001145853.1); short protein forms E655R.
Identifiers: ClinVar variation 4279634 (VCV004279634.1).
Genomic context (GRCh38, chr4:6,301,758, plus strand): 5'-CTCATCCTGGTGTGGCTCACGGCCATCGTGCTGTTCTGCTGGTTCTATGTGTACCGCTCA[GA>AG]GGGCATGAAGGTCTACAACTCCACACTGACCTGGCAGCAGTATGGTGCGCTGTGCGGGCC-3'
Protein context (NP_005996.2, residues 645-665): LFCWFYVYRS[Glu655Arg]GMKVYNSTLT